The following is an entry in ClinVar:

NM_001540.5(HSPB1):c.504del (p.Met169fs)

Gene: HSPB1 (heat shock protein family B (small) member 1; plus strand). Cytogenetic location: 7q11.23.
Variant type: Deletion.
Coding change: c.504del on transcript NM_001540.5 (MANE Select); coding-DNA position 504, one base deleted (C; older notation c.504delC).
Protein change: p.Met169fs; shifts the reading frame from methionine 169.
Molecular consequence: frameshift variant.
Genome position (GRCh38, 1-based): chr7:76,304,059, C deleted; the last of 5 consecutive C bases (chr7:76,304,055-76,304,059); deleting any one gives the same sequence. VCF-style (leftmost placement, unchanged base first): chr7-76304054-GC-G. GRCh37 (hg19) VCF-style: chr7-75933371-GC-G.
Other names: short protein forms M169fs.
Identifiers: ClinVar variation 3026735 (VCV003026735.22), dbSNP rs1803069547, ClinGen allele CA2740097378.

ClinVar aggregate classification (germline): Likely pathogenic (1 of 4 stars; one submission).

Submission:

CeGaT Center for Human Genetics Tuebingen
Classification: Likely pathogenic. Last evaluated: 2023-12-01. Review status: criteria provided, single submitter. Criteria: CeGaT Center For Human Genetics Tuebingen Variant Classification Criteria Version 2. Collection method: clinical testing. Allele origin: germline. Affected: yes. Observed: 1 variant allele.
Comment: HSPB1: PVS1:Strong, PM2